The following is an entry in ClinVar:

ClinVar aggregate classification (germline): Benign. Review status: criteria provided, multiple submitters, no conflicts (2 of 4 stars). 3 submissions from 3 submitters: Benign (2). 1 of the submissions does not count toward it. Last evaluated 2025-08-10.

Conditions:
Joubert syndrome. Also called: CEREBELLOPARENCHYMAL DISORDER IV; JOUBERT-BOLTSHAUSER SYNDROME; Familial aplasia of the vermis. Identifiers: Orphanet 475, MedGen C5979921, MONDO:0018772.
Orofaciodigital syndrome I (OFD1). Also called: OFDS I; Papillon-Leage and Psaume Syndrome; Oral-Facial-Digital Syndrome Type I. Identifiers: Orphanet 2750, MedGen C1510460, MONDO:0010702, OMIM 311200.
OFD1-related disorder. Also called: OFD1-related condition.

Allele frequency attached by ClinVar (database versions not stated): ExAC 0.00009; gnomAD exomes 0.00011; ESP Exome Variant Server 0.00019; 1000 Genomes Project 30x 0.00021; 1000 Genomes Project 0.00026.

Submissions (3):

Labcorp Genetics (formerly Invitae), Labcorp
Classification: Benign for Orofaciodigital syndrome I; Joubert syndrome. Last evaluated: 2025-08-10. Review status: criteria provided, single submitter. Criteria: Invitae Variant Classification Sherloc (09022015). Collection method: clinical testing. Allele origin: germline.

Athena Diagnostics
Classification: Benign. Last evaluated: 2025-03-03. Review status: criteria provided, single submitter. Criteria: Athena Diagnostics Criteria. Collection method: clinical testing. Allele origin: unknown.
Comment: The frequency of this variant in the general population is higher than would generally be expected for pathogenic variants in this gene. Computational tools predict this amino acid change may be benign.

PreventionGenetics, part of Exact Sciences
Classification: Likely benign for OFD1-related condition. Last evaluated: 2023-07-11. Review status: no assertion criteria provided. Collection method: clinical testing. Allele origin: germline. Not counted in ClinVar's aggregate classification.
Comment: This variant is classified as likely benign based on ACMG/AMP sequence variant interpretation guidelines (Richards et al. 2015 PMID: 25741868, with internal and published modifications).

Literature cited by the submitters: PubMed 25133751 (cited by Athena Diagnostics).

NM_003611.3(OFD1):c.781G>A (p.Val261Ile)

Gene: OFD1 (OFD1 centriole and centriolar satellite protein; plus strand). Cytogenetic location: Xp22.2.
Variant type: single nucleotide variant.
Coding change: c.781G>A on transcript NM_003611.3 (MANE Select); coding-DNA position 781, G replaced by A.
Protein change: p.Val261Ile; replaces valine 261 with isoleucine.
Molecular consequence: missense variant.
Genome position (GRCh38, 1-based): chrX:13,746,906, G>A. VCF-style: chrX-13746906-G-A. GRCh37 (hg19) VCF-style: chrX-13765025-G-A.
Other names: c.781G>A (NM_003611.2); c.781G>A, p.Val261Ile (NM_001330209.2); c.361G>A, p.Val121Ile (NM_001330210.2); short protein forms V121I, V261I.
Identifiers: ClinVar variation 1643141 (VCV001643141.11), dbSNP rs149733425, ClinGen allele CA10351682.